The following is an entry in ClinVar:

NM_022367.4(SEMA4A):c.*37T>C

Gene: SEMA4A (semaphorin 4A; plus strand). Cytogenetic location: 1q22.
Variant type: single nucleotide variant.
Coding change: c.*37T>C on transcript NM_022367.4 (MANE Select); 37 bases downstream of the stop codon, T replaced by C.
Molecular consequence: 3 prime UTR variant.
Genome position (GRCh38, 1-based): chr1:156,177,034, T>C. VCF-style: chr1-156177034-T-C. GRCh37 (hg19) VCF-style: chr1-156146825-T-C.
Other names: c.*37T>C (NM_001193300.2, NM_001193301.2, NM_001193302.2 and 4 more transcripts).
Identifiers: ClinVar variation 292860 (VCV000292860.10), dbSNP rs41265023, ClinGen allele CA1155573.

ClinVar aggregate classification (germline): Benign/Likely benign. Review status: criteria provided, multiple submitters, no conflicts (2 of 4 stars). 6 submissions from 4 submitters: Benign (3); Likely benign (3). Last evaluated 2023-04-11.

Conditions:
Retinitis pigmentosa (RP). Identifiers: Orphanet 791, MedGen C0035334, MeSH D012174, MONDO:0019200, OMIM 268000. Inheritance: Autosomal dominant, autosomal recessive and X linked inheritance.
Cone-rod dystrophy 10 (CORD10). Identifiers: Orphanet 1872, MedGen C1846529, MONDO:0012464, OMIM 610283.
Retinitis pigmentosa 35 (RP35). Identifiers: Orphanet 791, MedGen C1853214, MONDO:0012463, OMIM 610282.

Allele frequency attached by ClinVar (database versions not stated): gnomAD exomes 0.03656 and 0.05712; ESP Exome Variant Server 0.04356; gnomAD 0.05725 and 0.05779; ExAC 0.05736; TOPMed 0.06389; 1000 Genomes Project 0.07768; 1000 Genomes Project 30x 0.08089.
gnomAD v4.1: 61,189 of 1,577,254 alleles (3.9%); highest among the groups gnomAD compares: African/African-American, 11%; 1,872 homozygotes.

Submissions (6):

Genome-Nilou Lab
Classification: Likely benign for Cone-rod dystrophy 10. Last evaluated: 2023-04-11. Review status: criteria provided, single submitter. Criteria: ACMG Guidelines, 2015. Collection method: clinical testing. Allele origin: germline. Affected: no.

Genome-Nilou Lab
Classification: Likely benign for Retinitis pigmentosa 35. Last evaluated: 2023-04-11. Review status: criteria provided, single submitter. Criteria: ACMG Guidelines, 2015. Collection method: clinical testing. Allele origin: germline. Affected: no.

GeneDx
Classification: Benign. Last evaluated: 2018-11-20. Review status: criteria provided, single submitter. Criteria: GeneDx Variant Classification Process June 2021. Collection method: clinical testing. Allele origin: germline. Affected: yes.

Illumina Laboratory Services, Illumina
Classification: Benign for Cone-rod dystrophy 10. Last evaluated: 2018-01-12. Review status: criteria provided, single submitter. Criteria: ICSL Variant Classification Criteria 13 December 2019. Collection method: clinical testing. Allele origin: germline.
Comment: This variant was observed in the ICSL laboratory as part of a predisposition screen in an ostensibly healthy population. It had not been previously curated by ICSL or reported in the Human Gene Mutation Database (HGMD: prior to June 1st, 2018), and was therefore a candidate for classification through an automated scoring system. Utilizing variant allele frequency, disease prevalence and penetrance estimates, and inheritance mode, an automated score was calculated to assess if this variant is too frequent to cause the disease. Based on the score and internal cut-off values, a variant classified as benign is not then subjected to further curation. The score for this variant resulted in a classification of benign for this disease.

Illumina Laboratory Services, Illumina
Classification: Benign for Retinitis pigmentosa. Last evaluated: 2018-01-12. Review status: criteria provided, single submitter. Criteria: ICSL Variant Classification Criteria 13 December 2019. Collection method: clinical testing. Allele origin: germline.
Comment: the same text as in the submission from Illumina Laboratory Services, Illumina above.

Breakthrough Genomics
Classification: Likely benign. Review status: criteria provided, single submitter. Criteria: ACMG Guidelines, 2015. Collection method: not provided. Allele origin: germline. Inheritance: Autosomal recessive inheritance. Affected: yes.